The following is an entry in ClinVar:

NM_000038.6(APC):c.2212A>T (p.Lys738Ter)

Gene: APC (APC regulator of Wnt signaling pathway; plus strand). Cytogenetic location: 5q22.2.
Variant type: single nucleotide variant.
Coding change: c.2212A>T on transcript NM_000038.6 (MANE Select); coding-DNA position 2212, A replaced by T.
Protein change: p.Lys738Ter; replaces lysine 738 with a stop codon.
Molecular consequence: nonsense.
Genome position (GRCh38, 1-based): chr5:112,837,806, A>T. VCF-style: chr5-112837806-A-T. GRCh37 (hg19) VCF-style: chr5-112173503-A-T.
Other names: c.2212A>T, p.Lys738Ter (NM_001127510.3, NM_001354895.2, NM_001407450.1); c.2158A>T, p.Lys720Ter (NM_001127511.3); c.2266A>T, p.Lys756Ter (NM_001354896.2, NM_001407447.1, NM_001407448.1 and 1 more transcripts); c.2242A>T, p.Lys748Ter (NM_001354897.2); c.2137A>T, p.Lys713Ter (NM_001354898.2); c.2128A>T, p.Lys710Ter (NM_001354899.2); c.2089A>T, p.Lys697Ter (NM_001354900.2); c.2035A>T, p.Lys679Ter (NM_001354901.2, NM_001407453.1); and 11 more; short protein forms K455*, K578*, K609*, K697*, K713*, K738*, K748*, K612*.
Identifiers: ClinVar variation 1787783 (VCV001787783.5), dbSNP rs2149863411, ClinGen allele CA16026179.

ClinVar aggregate classification (germline): Pathogenic. Review status: criteria provided, multiple submitters, no conflicts (2 of 4 stars). 2 submissions from 2 submitters: Pathogenic (2). Last evaluated 2023-05-04.
ClinVar aggregate classification (oncogenicity): Likely oncogenic (1 of 4 stars; one submission).

Conditions:
Hereditary cancer-predisposing syndrome. Also called: Neoplastic Syndromes, Hereditary; Tumor predisposition; Hereditary Cancer Syndrome; Hereditary neoplastic syndrome. Identifiers: Orphanet 140162, MedGen C0027672, MeSH D009386, MONDO:0015356.
Familial adenomatous polyposis 1 (FAP1). Also called: FAMILIAL ADENOMATOUS POLYPOSIS 1, ATTENUATED; POLYPOSIS, ADENOMATOUS INTESTINAL. Identifiers: MedGen C2713442, MONDO:0021056, OMIM 175100. Disease mechanism: loss of function.
Neoplasm. Also called: tumor; Neoplasms; Neoplasm (disease). Identifiers: MedGen C0027651, MeSH D009369, MONDO:0005070, HP:0002664.

Submissions (3):

Center for Genomic Medicine, Rigshospitalet, Copenhagen University Hospital
Classification: Likely oncogenic for Neoplasm. Last evaluated: 2025-03-04. Review status: criteria provided, single submitter. Criteria: ClinGen/CGC/VICC Guidelines for Oncogenicity, 2022. Collection method: clinical testing. Allele origin: somatic. Affected: yes.

Myriad Genetics, Inc.
Classification: Pathogenic for Familial adenomatous polyposis 1. Last evaluated: 2023-05-04. Review status: criteria provided, single submitter. Criteria: Myriad Autosomal Dominant, Autosomal Recessive and X-Linked Classification Criteria (2023). Collection method: clinical testing. Allele origin: unknown.
Comment: This variant is considered pathogenic. This variant creates a termination codon and is predicted to result in premature protein truncation.

Ambry Genetics
Classification: Pathogenic for Hereditary cancer-predisposing syndrome. Last evaluated: 2015-11-06. Review status: criteria provided, single submitter. Criteria: Ambry Variant Classification Scheme 2023. Collection method: clinical testing. Allele origin: germline.
Comment: The p.K738* pathogenic mutation (also known as c.2212A>T), located in coding exon 15 of the APC gene, results from an A to T substitution at nucleotide position 2212. This changes the amino acid from a lysine to a stop codon within coding exon 15. Since premature stop codons are typically deleterious in nature, this alteration is interpreted as a disease-causing mutation (ACMG Recommendations for Standards for Interpretation and Reporting of Sequence Variations. Revision 2007. Genet Med. 2008;10:294).

Literature cited by the submitters: PubMed 34352208 (cited by Center for Genomic Medicine, Rigshospitalet, Copenhagen University Hospital); PubMed 28179481 (cited by Center for Genomic Medicine, Rigshospitalet, Copenhagen University Hospital).